The following is an entry in ClinVar:

ClinVar aggregate classification (germline): Uncertain significance (1 of 4 stars; one submission).

Conditions:
Dyskeratosis congenita. Identifiers: Orphanet 1775, MedGen C0265965, MONDO:0015780.

Submission:

Labcorp Genetics (formerly Invitae), Labcorp
Classification: Uncertain significance for Dyskeratosis congenita. Last evaluated: 2020-05-21. Review status: criteria provided, single submitter. Criteria: Invitae Variant Classification Sherloc (09022015). Collection method: clinical testing. Allele origin: germline.
Comment: In summary, the available evidence is currently insufficient to determine the role of this variant in disease. Therefore, it has been classified as a Variant of Uncertain Significance. Algorithms developed to predict the effect of missense changes on protein structure and function (SIFT, PolyPhen-2, Align-GVGD) all suggest that this variant is likely to be disruptive, but these predictions have not been confirmed by published functional studies and their clinical significance is uncertain. This variant has not been reported in the literature in individuals with DKC1-related conditions. This variant is not present in population databases (ExAC no frequency). This sequence change replaces isoleucine with valine at codon 327 of the DKC1 protein (p.Ile327Val). The isoleucine residue is highly conserved and there is a small physicochemical difference between isoleucine and valine.

NM_001363.5(DKC1):c.979A>G (p.Ile327Val)

Gene: DKC1 (dyskerin pseudouridine synthase 1; plus strand). Cytogenetic location: Xq28.
Variant type: single nucleotide variant.
Coding change: c.979A>G on transcript NM_001363.5 (MANE Select); coding-DNA position 979, A replaced by G.
Protein change: p.Ile327Val; replaces isoleucine 327 with valine.
Molecular consequence: missense variant. On other transcripts: non-coding transcript variant (3).
Genome position (GRCh38, 1-based): chrX:154,770,822, A>G. VCF-style: chrX-154770822-A-G. GRCh37 (hg19) VCF-style: chrX-153999097-A-G.
Other names: c.979A>G, p.Ile327Val (NM_001142463.3, NM_001288747.2); short protein forms I327V.
Identifiers: ClinVar variation 1022696 (VCV001022696.8), dbSNP rs2071814299, ClinGen allele CA414894228.